The following is an entry in ClinVar:

NM_004369.4(COL6A3):c.8212A>T (p.Ile2738Phe)

Gene: COL6A3 (collagen type VI alpha 3 chain; minus strand). Cytogenetic location: 2q37.3.
Variant type: single nucleotide variant.
Coding change: c.8212A>T on transcript NM_004369.4 (MANE Select); coding-DNA position 8212, A replaced by T.
Protein change: p.Ile2738Phe; replaces isoleucine 2738 with phenylalanine.
Molecular consequence: missense variant.
Genome position (GRCh38, 1-based): chr2:237,340,704, T>A on the plus strand (A>T on the coding strand, the complement: COL6A3 is on the minus strand). VCF-style: chr2-237340704-T-A. GRCh37 (hg19) VCF-style: chr2-238249347-T-A.
Other names: c.6391A>T, p.Ile2131Phe (NM_057166.5); c.7594A>T, p.Ile2532Phe (NM_057167.4); short protein forms I2738F, I2532F, I2131F.
Identifiers: ClinVar variation 952771 (VCV000952771.15), dbSNP rs141344389, ClinGen allele CA2187599.

ClinVar aggregate classification (germline): Uncertain significance. Review status: criteria provided, multiple submitters, no conflicts (2 of 4 stars). 3 submissions from 3 submitters: Uncertain significance (3). Last evaluated 2026-03-01.

Conditions:
Bethlem myopathy 1A. Also called: Bethlem Muscular Dystrophy; Bethlem myopathy 1; MYOPATHY, BENIGN CONGENITAL, WITH CONTRACTURES. Identifiers: Orphanet 610, MedGen CN029274, MONDO:0024530, OMIM 158810.

Allele frequency attached by ClinVar (database versions not stated): gnomAD exomes 0.00001; ExAC 0.00002; TOPMed 0.00003; ESP Exome Variant Server 0.00008.
gnomAD v4.1: 15 of 1,614,192 alleles (0.00093%); highest among the groups gnomAD compares: Middle Eastern, 0.016%; no homozygotes.

Submissions (3):

CeGaT Center for Human Genetics Tuebingen
Classification: Uncertain significance. Last evaluated: 2026-03-01. Review status: criteria provided, single submitter. Criteria: CeGaT Center For Human Genetics Tuebingen Variant Classification Criteria Version 2. Collection method: clinical testing. Allele origin: germline. Affected: yes. Observed: 1 variant allele.
Comment: COL6A3: PM2

Labcorp Genetics (formerly Invitae), Labcorp
Classification: Uncertain significance for Bethlem myopathy 1A. Last evaluated: 2026-02-01. Review status: criteria provided, single submitter. Criteria: Invitae Variant Classification Sherloc (09022015). Collection method: clinical testing. Allele origin: germline.
Comment: This sequence change replaces isoleucine, which is neutral and non-polar, with phenylalanine, which is neutral and non-polar, at codon 2738 of the COL6A3 protein (p.Ile2738Phe). This variant is present in population databases (rs141344389, gnomAD 0.002%). This variant has not been reported in the literature in individuals affected with COL6A3-related conditions. ClinVar contains an entry for this variant (Variation ID: 952771). Invitae Evidence Modeling of protein sequence and biophysical properties (such as structural, functional, and spatial information, amino acid conservation, physicochemical variation, residue mobility, and thermodynamic stability) indicates that this missense variant is not expected to disrupt COL6A3 protein function with a negative predictive value of 80%. In summary, the available evidence is currently insufficient to determine the role of this variant in disease. Therefore, it has been classified as a Variant of Uncertain Significance.

GeneDx
Classification: Uncertain significance. Last evaluated: 2019-10-18. Review status: criteria provided, single submitter. Criteria: GeneDx Variant Classification Process June 2021. Collection method: clinical testing. Allele origin: germline. Affected: yes.
Comment: Not observed at a significant frequency in large population cohorts (Lek et al., 2016); In silico analysis, which includes protein predictors and evolutionary conservation, supports a deleterious effect; Has not been previously published as pathogenic or benign to our knowledge